The following is an entry in ClinVar:

NM_030973.4(MED25):c.2207G>A (p.Ser736Asn)

Gene: MED25 (mediator complex subunit 25; plus strand). Cytogenetic location: 19q13.33.
Variant type: single nucleotide variant.
Coding change: c.2207G>A on transcript NM_030973.4 (MANE Select); coding-DNA position 2207, G replaced by A.
Protein change: p.Ser736Asn; replaces serine 736 with asparagine.
Molecular consequence: missense variant. On other transcripts: intron variant (1).
Genome position (GRCh38, 1-based): chr19:49,836,907, G>A. VCF-style: chr19-49836907-G-A. GRCh37 (hg19) VCF-style: chr19-50340164-G-A.
Other names: c.2146+501G>A (NM_001378355.1); short protein forms S736N.
Identifiers: ClinVar variation 5006021 (VCV005006021.2).

ClinVar aggregate classification (germline): Uncertain significance (1 of 4 stars; one submission).

Conditions:
Congenital cataract-microcephaly-nevus flammeus simplex-severe intellectual disability syndrome. Also called: Basel-Vanagaite-Smirin-Yosef syndrome. Identifiers: Orphanet 464738, MedGen C4225323, MONDO:0014643, OMIM 616449.

gnomAD v4.1: 3 of 1,613,084 alleles (0.00019%); highest among the groups gnomAD compares: East Asian, 0.0067%; no homozygotes.

Submission:

Juno Genomics, Hangzhou Juno Genomics, Inc
Classification: Uncertain significance for Congenital cataract-microcephaly-nevus flammeus simplex-severe intellectual disability syndrome. Review status: criteria provided, single submitter. Criteria: ACMG Guidelines, 2015. Collection method: clinical testing. Allele origin: germline.
Comment: Absent from controls (or at extremely low frequency if recessive) in Genome Aggregation Database.